The following is an entry in ClinVar:

ClinVar aggregate classification (germline): Uncertain significance (1 of 4 stars; one submission).

Submission:

Labcorp Genetics (formerly Invitae), Labcorp
Classification: Uncertain significance. Last evaluated: 2023-08-17. Review status: criteria provided, single submitter. Criteria: Invitae Variant Classification Sherloc (09022015). Collection method: clinical testing. Allele origin: germline.
Comment: This sequence change replaces aspartic acid, which is acidic and polar, with glycine, which is neutral and non-polar, at codon 812 of the OPA1 protein (p.Asp812Gly). This variant is not present in population databases (gnomAD no frequency). This missense change has been observed in individual(s) with clinical features of OPA1-related condition (Invitae). Advanced modeling of protein sequence and biophysical properties (such as structural, functional, and spatial information, amino acid conservation, physicochemical variation, residue mobility, and thermodynamic stability) performed at Invitae indicates that this missense variant is expected to disrupt OPA1 protein function. In summary, the available evidence is currently insufficient to determine the role of this variant in disease. Therefore, it has been classified as a Variant of Uncertain Significance.

NM_130837.3(OPA1):c.2600A>G (p.Asp867Gly)

Gene: OPA1 (OPA1 mitochondrial dynamin like GTPase; plus strand). Cytogenetic location: 3q29.
Variant type: single nucleotide variant.
Coding change: c.2600A>G on transcript NM_130837.3 (MANE Select); coding-DNA position 2600, A replaced by G.
Protein change: p.Asp867Gly; replaces aspartic acid 867 with glycine.
Molecular consequence: missense variant.
Genome position (GRCh38, 1-based): chr3:193,662,901, A>G. VCF-style: chr3-193662901-A-G. GRCh37 (hg19) VCF-style: chr3-193380690-A-G.
Other names: c.2066A>G, p.Asp689Gly (NM_001354663.2); c.2063A>G, p.Asp688Gly (NM_001354664.2); c.2435A>G, p.Asp812Gly (NM_015560.3); c.2327A>G, p.Asp776Gly (NM_130831.3); c.2381A>G, p.Asp794Gly (NM_130832.3); c.2438A>G, p.Asp813Gly (NM_130833.3); c.2489A>G, p.Asp830Gly (NM_130834.3); c.2492A>G, p.Asp831Gly (NM_130835.3); and 1 more; short protein forms D689G, D812G, D830G, D831G, D776G, D813G, D867G, D688G.
Identifiers: ClinVar variation 2842314 (VCV002842314.3), dbSNP rs2475134723, ClinGen allele CA355793189.